The following is an entry in ClinVar:

NM_003098.3(SNTA1):c.473C>T (p.Thr158Ile)

Genes: SNTA1 (syntrophin alpha 1; minus strand), LOC130065678 (ATAC-STARR-seq lymphoblastoid active region 17731; plus strand). Cytogenetic location: 20q11.21.
Variant type: single nucleotide variant.
Coding change: c.473C>T on transcript NM_003098.3 (MANE Select); coding-DNA position 473, C replaced by T.
Protein change: p.Thr158Ile; replaces threonine 158 with isoleucine.
Molecular consequence: missense variant.
Genome position (GRCh38, 1-based): chr20:33,438,864, G>A on the plus strand (C>T on the coding strand, the complement: SNTA1 is on the minus strand). VCF-style: chr20-33438864-G-A. GRCh37 (hg19) VCF-style: chr20-32026670-G-A.
Other names: short protein forms T158I.
Identifiers: ClinVar variation 1416506 (VCV001416506.9), dbSNP rs908403821, ClinGen allele CA313275610.

ClinVar aggregate classification (germline): Uncertain significance. Review status: criteria provided, multiple submitters, no conflicts (2 of 4 stars). 2 submissions from 2 submitters: Uncertain significance (2). Last evaluated 2025-04-10.

Conditions:
Cardiovascular phenotype. Identifiers: MedGen CN230736.
Long QT syndrome (LQTS). Identifiers: MedGen C0023976, MeSH D008133, MONDO:0002442. Disease mechanism: loss of function. Inheritance: Various modes of inheritance.

Allele frequency attached by ClinVar (database versions not stated): gnomAD exomes below 0.00001 and 0.00001; gnomAD 0.00001; TOPMed 0.00002.

Submissions (2):

Ambry Genetics
Classification: Uncertain significance for Cardiovascular phenotype. Last evaluated: 2025-04-10. Review status: criteria provided, single submitter. Criteria: Ambry Variant Classification Scheme 2023. Collection method: clinical testing. Allele origin: germline.

Labcorp Genetics (formerly Invitae), Labcorp
Classification: Uncertain significance for Long QT syndrome. Last evaluated: 2021-08-12. Review status: criteria provided, single submitter. Criteria: Invitae Variant Classification Sherloc (09022015). Collection method: clinical testing. Allele origin: germline.
Comment: In summary, the available evidence is currently insufficient to determine the role of this variant in disease. Therefore, it has been classified as a Variant of Uncertain Significance. Algorithms developed to predict the effect of missense changes on protein structure and function are either unavailable or do not agree on the potential impact of this missense change (SIFT: "Deleterious"; PolyPhen-2: "Probably Damaging"; Align-GVGD: "Class C0"). This variant has not been reported in the literature in individuals affected with SNTA1-related conditions. This variant is not present in population databases (ExAC no frequency). This sequence change replaces threonine with isoleucine at codon 158 of the SNTA1 protein (p.Thr158Ile). The threonine residue is moderately conserved and there is a moderate physicochemical difference between threonine and isoleucine.